The following is an entry in ClinVar:

ClinVar aggregate classification (germline): Uncertain significance (1 of 4 stars; one submission).

Submission:

GeneDx
Classification: Uncertain significance. Last evaluated: 2026-03-25. Review status: criteria provided, single submitter. Criteria: GeneDx Variant Classification Process June 2021. Collection method: clinical testing. Allele origin: germline.
Comment: In silico analysis suggests that this missense variant does not alter protein structure/function; Not observed at significant frequency in large population cohorts (gnomAD); Has not been previously published as pathogenic or benign to our knowledge

NM_153700.2(STRC):c.4253T>C (p.Leu1418Pro)

Gene: STRC (stereocilin; minus strand). Cytogenetic location: 15q15.3.
Variant type: single nucleotide variant.
Coding change: c.4253T>C on transcript NM_153700.2 (MANE Select); coding-DNA position 4253, T replaced by C.
Protein change: p.Leu1418Pro; replaces leucine 1418 with proline.
Molecular consequence: missense variant.
Genome position (GRCh38, 1-based): chr15:43,604,118, A>G on the plus strand (T>C on the coding strand, the complement: STRC is on the minus strand). VCF-style: chr15-43604118-A-G. GRCh37 (hg19) VCF-style: chr15-43896316-A-G.
Other names: short protein forms L1418P.
Identifiers: ClinVar variation 3343459 (VCV003343459.2).
Genomic context (GRCh38, chr15:43,604,118, plus strand): 5'-AGCTGTGGCTCCCTACACAGCTGTCCAACTCTGCTCTGCTCCCAGCTCTGCTGCTTTTCT[A>G]GAAGCCGCTCCAGGGTCTCTGGACCCAAGGCCTCCTGCATGAGAAGGTAGAAGGAGAGTG-3'
Protein context (NP_714544.1, residues 1408-1428): ALGPETLERL[Leu1418Pro]EKQQSWEQSR